The following is an entry in ClinVar:

NM_177924.5(ASAH1):c.629T>C (p.Met210Thr)

Gene: ASAH1 (N-acylsphingosine amidohydrolase 1; minus strand). Cytogenetic location: 8p22.
Variant type: single nucleotide variant.
Coding change: c.629T>C on transcript NM_177924.5 (MANE Select); coding-DNA position 629, T replaced by C.
Protein change: p.Met210Thr; replaces methionine 210 with threonine.
Molecular consequence: missense variant.
Genome position (GRCh38, 1-based): chr8:18,062,298, A>G on the plus strand (T>C on the coding strand, the complement: ASAH1 is on the minus strand). VCF-style: chr8-18062298-A-G. GRCh37 (hg19) VCF-style: chr8-17919807-A-G.
Other names: p.Met210Thr; c.611T>C, p.Met204Thr (NM_001127505.3); c.434T>C, p.Met145Thr (NM_001363743.2); c.677T>C, p.Met226Thr (NM_004315.6); short protein forms M210T, M226T, M145T, M204T.
Identifiers: ClinVar variation 362376 (VCV000362376.48), dbSNP rs141068211, ClinGen allele CA4650763.

ClinVar aggregate classification (germline): Conflicting classifications of pathogenicity. Review status: criteria provided, conflicting classifications (1 of 4 stars). 15 submissions from 15 submitters: Uncertain significance (7); Likely benign (4). 4 of the submissions do not count toward it. Last evaluated 2026-09-01.

Conditions:
ASAH1-related disorders. Also called: ASAH1-related condition; ASAH1-related disorder. Identifiers: MedGen CN376120, MONDO:0800460.
Farber lipogranulomatosis (FRBRL). Also called: Farber disease; Farber's lipogranulomatosis; Farber's disease; AC DEFICIENCY; ACID CERAMIDASE DEFICIENCY; CERAMIDASE DEFICIENCY. Identifiers: Orphanet 333, MedGen C0268255, MONDO:0009218, OMIM 228000.
Self-limited epilepsy with centrotemporal spikes. Also called: Rolandic epilepsy; Childhood epilepsy with centrotemporal spikes. Identifiers: Orphanet 1945, MedGen C0376532, MONDO:0007295.
Inborn genetic diseases. Identifiers: MedGen C0950123, MeSH D030342.

Allele frequency attached by ClinVar (database versions not stated): 1000 Genomes Project 30x 0.00016; 1000 Genomes Project 0.00020; ExAC 0.00067; gnomAD exomes 0.00081 and 0.00136; gnomAD 0.00093 and 0.00098; TOPMed 0.00094; ESP Exome Variant Server 0.00131.
gnomAD v4.1: 2,131 of 1,614,240 alleles (0.13%); highest among the groups gnomAD compares: Non-Finnish European, 0.17%; 2 homozygotes.

Submissions (15):

CeGaT Center for Human Genetics Tuebingen
Classification: Likely benign. Last evaluated: 2026-09-01. Review status: criteria provided, single submitter. Criteria: CeGaT Center For Human Genetics Tuebingen Variant Classification Criteria Version 2. Collection method: clinical testing. Allele origin: germline. Affected: yes. Observed: 3 variant alleles.
Comment: ASAH1: BS1

Women's Health and Genetics/Laboratory Corporation of America, LabCorp
Classification: Uncertain significance. Last evaluated: 2026-04-01. Review status: criteria provided, single submitter. Criteria: LabCorp Variant Classification Summary - May 2015. Collection method: clinical testing. Allele origin: germline.
Comment: Variant summary: ASAH1 c.629T>C (p.Met210Thr) results in a non-conservative amino acid change located in the Choloylglycine hydrolase/NAAA C-terminal domain (IPR029132) of the encoded protein sequence. Algorithms developed to predict the effect of missense changes on protein structure and function are either unavailable or do not agree on the potential impact of this missense change. The variant allele was found at a frequency of 0.00082 in 255942 control chromosomes. This frequency is not significantly higher than estimated for disease-causing variants in ASAH1, allowing no conclusion about variant significance. c.629T>C has been reported in the literature in individuals affected with lysosomal storage disorders, Parkinsons disease or Rolandic epilepsy, as well as in controls (Di Fruscio_2015, Robak_2017, Bobbili_2018). These report(s) do not provide unequivocal conclusions about association of the variant with Spinal muscular atrophy-progressive myoclonic epilepsy syndrome. To our knowledge, no experimental evidence demonstrating an impact on protein function has been reported. The following publications have been ascertained in the context of this evaluation (PMID: 29358611, 26075876, 29692406, 29140481). ClinVar contains an entry for this variant (Variation ID: 362376). Based on the evidence outlined above, the variant was classified as uncertain significance.

Mayo Clinic Laboratories, Mayo Clinic
Classification: Uncertain significance. Last evaluated: 2025-10-30. Review status: criteria provided, single submitter. Criteria: ACMG Guidelines, 2015. Collection method: clinical testing. Allele origin: germline. Observed: 6 variant alleles.

Blueprint Genetics
Classification: Uncertain significance. Last evaluated: 2024-11-25. Review status: criteria provided, single submitter. Criteria: ACMG Guidelines, 2015. Collection method: clinical testing. Allele origin: germline.

ARUP Laboratories, Molecular Genetics and Genomics, ARUP Laboratories
Classification: Uncertain significance. Last evaluated: 2024-10-23. Review status: criteria provided, single submitter. Criteria: ARUP Molecular Germline Variant Investigation Process 2024. Collection method: clinical testing. Allele origin: germline.
Comment: The ASAH1 c.629T>C;p.Met210Thr variant (rs141068211), to our knowledge, is not reported in the medical literature but is reported in ClinVar (Variation ID: 362376). This variant is found in the general population with an overall allele frequency of 0.08% (232/282860 alleles) in the Genome Aggregation Database (v2.1.1). Computational analyses are uncertain whether this variant is neutral or deleterious (REVEL: 0.585). Due to limited information, the clinical significance of this variant is uncertain at this time.

Labcorp Genetics (formerly Invitae), Labcorp
Classification: Uncertain significance. Last evaluated: 2022-10-25. Review status: criteria provided, single submitter. Criteria: Invitae Variant Classification Sherloc (09022015). Collection method: clinical testing. Allele origin: germline.
Comment: This sequence change replaces methionine, which is neutral and non-polar, with threonine, which is neutral and polar, at codon 210 of the ASAH1 protein (p.Met210Thr). This variant is present in population databases (rs141068211, gnomAD 0.1%), and has an allele count higher than expected for a pathogenic variant. This missense change has been observed in individual(s) with clinical features of Rolandic epilepsy (PMID: 29358611). ClinVar contains an entry for this variant (Variation ID: 362376). Advanced modeling of protein sequence and biophysical properties (such as structural, functional, and spatial information, amino acid conservation, physicochemical variation, residue mobility, and thermodynamic stability) performed at Invitae indicates that this missense variant is not expected to disrupt ASAH1 protein function. In summary, the available evidence is currently insufficient to determine the role of this variant in disease. Therefore, it has been classified as a Variant of Uncertain Significance.

Revvity Omics, Revvity
Classification: Uncertain significance. Last evaluated: 2022-06-15. Review status: criteria provided, single submitter. Criteria: ACMG Guidelines, 2015. Collection method: clinical testing. Allele origin: germline.

Ambry Genetics
Classification: Likely benign for Inborn genetic diseases. Last evaluated: 2021-03-30. Review status: criteria provided, single submitter. Criteria: Ambry Variant Classification Scheme 2023. Collection method: clinical testing. Allele origin: germline.

GeneDx
Classification: Likely benign. Last evaluated: 2021-01-19. Review status: criteria provided, single submitter. Criteria: GeneDx Variant Classification Process June 2021. Collection method: clinical testing. Allele origin: germline. Affected: yes.
Comment: In silico analysis, which includes protein predictors and evolutionary conservation, supports a deleterious effect; This variant is associated with the following publications: (PMID: 29358611)

Athena Diagnostics
Classification: Likely benign. Last evaluated: 2019-06-18. Review status: criteria provided, single submitter. Criteria: Athena Diagnostics Criteria. Collection method: clinical testing. Allele origin: germline.

Illumina Laboratory Services, Illumina
Classification: Uncertain significance for Farber lipogranulomatosis. Last evaluated: 2018-01-13. Review status: criteria provided, single submitter. Criteria: ICSL Variant Classification Criteria 13 December 2019. Collection method: clinical testing. Allele origin: germline.

PreventionGenetics, part of Exact Sciences
Classification: Likely benign for ASAH1-related condition. Last evaluated: 2023-10-25. Review status: no assertion criteria provided. Collection method: clinical testing. Allele origin: germline. Not counted in ClinVar's aggregate classification.
Comment: This variant is classified as likely benign based on ACMG/AMP sequence variant interpretation guidelines (Richards et al. 2015 PMID: 25741868, with internal and published modifications).

Bioinformatics Core, Luxembourg Center for Systems Biomedicine
Classification: Pathogenic for Self-limited epilepsy with centrotemporal spikes. Last evaluated: 2017-01-01. Review status: no assertion criteria provided. Collection method: case-control. Allele origin: germline. Affected: yes. Study: EUROEPINOMICS COGIE. Not counted in ClinVar's aggregate classification.

Clinical Genetics DNA and cytogenetics Diagnostics Lab, Erasmus MC, Erasmus Medical Center
Classification: Uncertain significance. Review status: no assertion criteria provided. Collection method: clinical testing. Allele origin: germline. Affected: yes. Study: VKGL Data-share Consensus. Not counted in ClinVar's aggregate classification.

Clinical Genetics, Academic Medical Center
Classification: Uncertain significance. Review status: no assertion criteria provided. Collection method: clinical testing. Allele origin: germline. Affected: yes. Study: VKGL Data-share Consensus. Not counted in ClinVar's aggregate classification.

Literature cited by the submitters: PubMed 26075876 (cited by Women's Health and Genetics/Laboratory Corporation of America, LabCorp); PubMed 29140481 (cited by Women's Health and Genetics/Laboratory Corporation of America, LabCorp and Mayo Clinic Laboratories, Mayo Clinic); PubMed 29358611 (cited by 5 submitters); PubMed 29692406 (cited by Women's Health and Genetics/Laboratory Corporation of America, LabCorp and Mayo Clinic Laboratories, Mayo Clinic).